The following is an entry in ClinVar:

ClinVar aggregate classification (germline): Uncertain significance (1 of 4 stars; one submission).

Submission:

Labcorp Genetics (formerly Invitae), Labcorp
Classification: Uncertain significance. Last evaluated: 2021-12-30. Review status: criteria provided, single submitter. Criteria: Invitae Variant Classification Sherloc (09022015). Collection method: clinical testing. Allele origin: germline.
Comment: In summary, the available evidence is currently insufficient to determine the role of this variant in disease. Therefore, it has been classified as a Variant of Uncertain Significance. Algorithms developed to predict the effect of missense changes on protein structure and function (SIFT, PolyPhen-2, Align-GVGD) all suggest that this variant is likely to be disruptive. This variant has not been reported in the literature in individuals affected with ABHD12-related conditions. This variant is not present in population databases (gnomAD no frequency). This sequence change replaces isoleucine, which is neutral and non-polar, with valine, which is neutral and non-polar, at codon 327 of the ABHD12 protein (p.Ile327Val).

NM_001042472.3(ABHD12):c.979A>G (p.Ile327Val)

Gene: ABHD12 (abhydrolase domain containing 12, lysophospholipase; minus strand). Cytogenetic location: 20p11.21.
Variant type: single nucleotide variant.
Coding change: c.979A>G on transcript NM_001042472.3 (MANE Select); coding-DNA position 979, A replaced by G.
Protein change: p.Ile327Val; replaces isoleucine 327 with valine.
Molecular consequence: missense variant.
Genome position (GRCh38, 1-based): chr20:25,303,600, T>C on the plus strand (A>G on the coding strand, the complement: ABHD12 is on the minus strand). VCF-style: chr20-25303600-T-C. GRCh37 (hg19) VCF-style: chr20-25284236-T-C.
Other names: c.979A>G, p.Ile327Val (NM_015600.5); short protein forms I327V.
Identifiers: ClinVar variation 2066645 (VCV002066645.4), dbSNP rs754972322, ClinGen allele CA408455281.
Genomic context (GRCh38, chr20:25,303,600, plus strand): 5'-CAGGACCCACCTTTCTGCCAAGCTGGAAGGGCACCACCGGGTCGTCCTCAGCGTGCAGGA[T>C]GAGCAGGGGACAGGAGATGTGCTTCACGCTGTAGGAGGGAGAAGGGGCTAGACCAAGACC-3'
Protein context (NP_001035937.1, residues 317-337): NVKHISCPLL[Ile327Val]LHAEDDPVVP